The following is an entry in ClinVar:

NM_004273.5(CHST3):c.613C>T (p.His205Tyr)

Gene: CHST3 (carbohydrate sulfotransferase 3; plus strand). Cytogenetic location: 10q22.1.
Variant type: single nucleotide variant.
Coding change: c.613C>T on transcript NM_004273.5 (MANE Select); coding-DNA position 613, C replaced by T.
Protein change: p.His205Tyr; replaces histidine 205 with tyrosine.
Molecular consequence: missense variant.
Genome position (GRCh38, 1-based): chr10:72,007,644, C>T. VCF-style: chr10-72007644-C-T. GRCh37 (hg19) VCF-style: chr10-73767402-C-T.
Other names: short protein forms H205Y.
Identifiers: ClinVar variation 1986097 (VCV001986097.1), dbSNP rs2494769823, ClinGen allele CA377145222.

ClinVar aggregate classification (germline): Uncertain significance (1 of 4 stars; one submission).

Conditions:
Spondyloepiphyseal dysplasia with congenital joint dislocations (SEDCJD). Also called: Chondrodysplasia with Congenital Joint Dislocations, CHST3-Related. Identifiers: Orphanet 263463, MedGen C1837657, MONDO:0007738, OMIM 143095.

Submission:

Labcorp Genetics (formerly Invitae), Labcorp
Classification: Uncertain significance for Spondyloepiphyseal dysplasia with congenital joint dislocations. Last evaluated: 2022-06-16. Review status: criteria provided, single submitter. Criteria: Invitae Variant Classification Sherloc (09022015). Collection method: clinical testing. Allele origin: germline.
Comment: This sequence change replaces histidine, which is basic and polar, with tyrosine, which is neutral and polar, at codon 205 of the CHST3 protein (p.His205Tyr). This variant is not present in population databases (gnomAD no frequency). This variant has not been reported in the literature in individuals affected with CHST3-related conditions. Algorithms developed to predict the effect of missense changes on protein structure and function (SIFT, PolyPhen-2, Align-GVGD) all suggest that this variant is likely to be tolerated. In summary, the available evidence is currently insufficient to determine the role of this variant in disease. Therefore, it has been classified as a Variant of Uncertain Significance.